The following is an entry in ClinVar:

NM_018671.5(UNC45A):c.2724C>T (p.Ile908=)

Genes: RCCD1-AS1 (RCCD1 and UNC45A antisense RNA 1; minus strand), UNC45A (unc-45 myosin chaperone A; plus strand). Cytogenetic location: 15q26.1.
Variant type: single nucleotide variant.
Coding change: c.2724C>T on transcript NM_018671.5 (MANE Select); coding-DNA position 2724, C replaced by T.
Protein change: p.Ile908=; no amino-acid change (isoleucine 908 retained).
Molecular consequence: synonymous variant.
Genome position (GRCh38, 1-based): chr15:90,953,605, C>T. VCF-style: chr15-90953605-C-T. GRCh37 (hg19) VCF-style: chr15-91496835-C-T.
Other names: c.2679C>T, p.Ile893= (NM_001039675.2, NM_001323621.2); c.2724C>T, p.Ile908= (NM_001323619.1); c.2289C>T, p.Ile763= (NM_001323620.2).
Identifiers: ClinVar variation 1653056 (VCV001653056.9), dbSNP rs150275572, ClinGen allele CA7743376.

ClinVar aggregate classification (germline): Likely benign. Review status: criteria provided, multiple submitters, no conflicts (2 of 4 stars). 2 submissions from 2 submitters: Likely benign (2). Last evaluated 2026-07-07.

Conditions:
UNC45A-related disorder. Also called: UNC45A-related condition.

Allele frequency attached by ClinVar (database versions not stated): ExAC 0.00048; gnomAD 0.00048 and 0.00049; gnomAD exomes 0.00055; TOPMed 0.00057; ESP Exome Variant Server 0.00062.
gnomAD v4.1: 1,435 of 1,613,998 alleles (0.089%); highest among the groups gnomAD compares: Non-Finnish European, 0.11%; 3 homozygotes.

Submissions (2):

PreventionGenetics, part of Exact Sciences
Classification: Likely benign for UNC45A-related condition. Last evaluated: 2026-07-07. Review status: criteria provided, single submitter. Criteria: ACMG Guidelines, 2015. Collection method: clinical testing. Allele origin: germline.
Comment: This variant is classified as likely benign based on ACMG/AMP sequence variant interpretation guidelines (Richards et al. 2015 PMID: 25741868, with internal and published modifications).

Labcorp Genetics (formerly Invitae), Labcorp
Classification: Likely benign. Last evaluated: 2026-01-24. Review status: criteria provided, single submitter. Criteria: Invitae Variant Classification Sherloc (09022015). Collection method: clinical testing. Allele origin: germline.